The following is an entry in ClinVar:

NM_001365951.3(KIF1B):c.2716G>C (p.Asp906His)

Genes: KIF1B (kinesin family member 1B; plus strand), LOC126805614 (BRD4-independent group 4 enhancer GRCh37_chr1:10385546-10386745; plus strand). Cytogenetic location: 1p36.22.
Variant type: single nucleotide variant.
Coding change: c.2716G>C on transcript NM_001365951.3 (MANE Select); coding-DNA position 2716, G replaced by C.
Protein change: p.Asp906His; replaces aspartic acid 906 with histidine.
Molecular consequence: missense variant.
Genome position (GRCh38, 1-based): chr1:10,326,151, G>C. VCF-style: chr1-10326151-G-C. GRCh37 (hg19) VCF-style: chr1-10386209-G-C.
Other names: c.2716G>C, p.Asp906His (NM_001365952.1); c.2578G>C, p.Asp860His (NM_015074.3); short protein forms D860H, D906H.
Identifiers: ClinVar variation 2497125 (VCV002497125.3), dbSNP rs758389718, ClinGen allele CA338336889.
Genomic context (GRCh38, chr1:10,326,151, plus strand): 5'-GCGTCTTACCTGGTGTCTAGCTCCCCCATTTTCCACGGCTGTGTGAACGAGCGCCTTGCC[G>C]ACCGCACACCCTCCCCCACTTTTTCCACGGCCGATTCCGACATCACTGAGCTGGCTGACG-3'
Protein context (NP_001352880.1, residues 896-916): FHGCVNERLA[Asp906His]RTPSPTFSTA

ClinVar aggregate classification (germline): Uncertain significance (1 of 4 stars; one submission).

Submission:

Ambry Genetics
Classification: Uncertain significance. Last evaluated: 2025-07-16. Review status: criteria provided, single submitter. Criteria: Ambry Variant Classification Scheme 2023. Collection method: clinical testing. Allele origin: germline.
Comment: The p.D860H variant (also known as c.2578G>C), located in coding exon 24 of the KIF1B gene, results from a G to C substitution at nucleotide position 2578. The aspartic acid at codon 860 is replaced by histidine, an amino acid with similar properties. This amino acid position is conserved. In addition, this alteration is predicted to be deleterious by in silico analysis. Since supporting evidence is limited at this time, the clinical significance of this alteration remains unclear.